The following is an entry in ClinVar:

NM_001375.3(DNASE2):c.509T>C (p.Met170Thr)

Gene: DNASE2 (deoxyribonuclease 2, lysosomal; minus strand). Cytogenetic location: 19p13.13.
Variant type: single nucleotide variant.
Coding change: c.509T>C on transcript NM_001375.3 (MANE Select); coding-DNA position 509, T replaced by C.
Protein change: p.Met170Thr; replaces methionine 170 with threonine.
Molecular consequence: missense variant.
Genome position (GRCh38, 1-based): chr19:12,878,672, A>G on the plus strand (T>C on the coding strand, the complement: DNASE2 is on the minus strand). VCF-style: chr19-12878672-A-G. GRCh37 (hg19) VCF-style: chr19-12989486-A-G.
Other names: short protein forms M170T.
Identifiers: ClinVar variation 2058616 (VCV002058616.3), dbSNP rs374218185, ClinGen allele CA9233768.

ClinVar aggregate classification (germline): Uncertain significance. Review status: criteria provided, multiple submitters, no conflicts (2 of 4 stars). 2 submissions from 2 submitters: Uncertain significance (2). Last evaluated 2024-10-21.

Allele frequency attached by ClinVar (database versions not stated): TOPMed 0.00003; gnomAD 0.00005; ExAC 0.00006; ESP Exome Variant Server 0.00008; gnomAD exomes 0.00009.

Submissions (2):

Labcorp Genetics (formerly Invitae), Labcorp
Classification: Uncertain significance. Last evaluated: 2024-10-21. Review status: criteria provided, single submitter. Criteria: Invitae Variant Classification Sherloc (09022015). Collection method: clinical testing. Allele origin: germline.
Comment: This sequence change replaces methionine, which is neutral and non-polar, with threonine, which is neutral and polar, at codon 170 of the DNASE2 protein (p.Met170Thr). This variant is present in population databases (rs374218185, gnomAD 0.009%). This variant has not been reported in the literature in individuals affected with DNASE2-related conditions. ClinVar contains an entry for this variant (Variation ID: 2058616). An algorithm developed to predict the effect of missense changes on protein structure and function (PolyPhen-2) suggests that this variant¬†is likely to be tolerated. In summary, the available evidence is currently insufficient to determine the role of this variant in disease. Therefore, it has been classified as a Variant of Uncertain Significance.

Ambry Genetics
Classification: Uncertain significance. Last evaluated: 2021-10-06. Review status: criteria provided, single submitter. Criteria: Ambry Variant Classification Scheme 2023. Collection method: clinical testing. Allele origin: germline.